The following is an entry in ClinVar:

NM_002291.3(LAMB1):c.2402G>A (p.Arg801Lys)

Gene: LAMB1 (laminin subunit beta 1; minus strand). Cytogenetic location: 7q31.1.
Variant type: single nucleotide variant.
Coding change: c.2402G>A on transcript NM_002291.3 (MANE Select); coding-DNA position 2402, G replaced by A.
Protein change: p.Arg801Lys; replaces arginine 801 with lysine.
Molecular consequence: missense variant.
Genome position (GRCh38, 1-based): chr7:107,959,747, C>T on the plus strand (G>A on the coding strand, the complement: LAMB1 is on the minus strand). VCF-style: chr7-107959747-C-T. GRCh37 (hg19) VCF-style: chr7-107600192-C-T.
Other names: short protein forms R801K.
Identifiers: ClinVar variation 1029433 (VCV001029433.3), dbSNP rs755654690, ClinGen allele CA4435651.

ClinVar aggregate classification (germline): Uncertain significance. Review status: criteria provided, multiple submitters, no conflicts (2 of 4 stars). 2 submissions from 2 submitters: Uncertain significance (2). Last evaluated 2024-05-29.

Conditions:
Cobblestone lissencephaly without muscular or ocular involvement. Also called: Lissencephaly 5; LEUKOENCEPHALOPATHY WITH VARIABLE CORTICAL BRAIN MALFORMATIONS AND/OR HYDROCEPHALUS. Identifiers: Orphanet 352682, MedGen C3554657, MONDO:0014077, OMIM 615191.

Allele frequency attached by ClinVar (database versions not stated): ExAC 0.00001; gnomAD exomes 0.00001 and 0.00002; gnomAD 0.00002; TOPMed 0.00002.
gnomAD v4.1: 26 of 1,614,114 alleles (0.0016%); highest among the groups gnomAD compares: Middle Eastern, 0.049%; no homozygotes.

Submissions (2):

Labcorp Genetics (formerly Invitae), Labcorp
Classification: Uncertain significance. Last evaluated: 2024-05-29. Review status: criteria provided, single submitter. Criteria: Invitae Variant Classification Sherloc (09022015). Collection method: clinical testing. Allele origin: germline.
Comment: This sequence change replaces arginine, which is basic and polar, with lysine, which is basic and polar, at codon 801 of the LAMB1 protein (p.Arg801Lys). This variant is present in population databases (rs755654690, gnomAD 0.003%). This variant has not been reported in the literature in individuals affected with LAMB1-related conditions. ClinVar contains an entry for this variant (Variation ID: 1029433). An algorithm developed to predict the effect of missense changes on protein structure and function (PolyPhen-2) suggests that this variant is likely to be tolerated. In summary, the available evidence is currently insufficient to determine the role of this variant in disease. Therefore, it has been classified as a Variant of Uncertain Significance.

Baylor Genetics
Classification: Uncertain significance for Cobblestone lissencephaly without muscular or ocular involvement. Last evaluated: 2020-02-13. Review status: criteria provided, single submitter. Criteria: ACMG Guidelines, 2015. Collection method: clinical testing. Allele origin: unknown. Affected: yes.
Comment: This variant was determined to be of uncertain significance according to ACMG Guidelines, 2015 [PMID:25741868].